The following is an entry in ClinVar:

ClinVar aggregate classification (germline): Uncertain significance (1 of 4 stars; one submission).

gnomAD v4.1: 1 of 1,614,086 alleles (0.000062%); highest among the groups gnomAD compares: Non-Finnish European, 0.000085%; no homozygotes.

Submission:

GeneDx
Classification: Uncertain significance. Last evaluated: 2025-02-04. Review status: criteria provided, single submitter. Criteria: GeneDx Variant Classification Process June 2021. Collection method: clinical testing. Allele origin: germline. Affected: yes.
Comment: Not observed at significant frequency in large population cohorts (gnomAD); In silico analysis indicates that this missense variant does not alter protein structure/function; Has not been previously published as pathogenic or benign to our knowledge

NM_013275.6(ANKRD11):c.2456A>G (p.Asn819Ser)

Gene: ANKRD11 (ankyrin repeat domain containing 11; minus strand). Cytogenetic location: 16q24.3.
Variant type: single nucleotide variant.
Coding change: c.2456A>G on transcript NM_013275.6 (MANE Select); coding-DNA position 2456, A replaced by G.
Protein change: p.Asn819Ser; replaces asparagine 819 with serine.
Molecular consequence: missense variant.
Genome position (GRCh38, 1-based): chr16:89,284,086, T>C on the plus strand (A>G on the coding strand, the complement: ANKRD11 is on the minus strand). VCF-style: chr16-89284086-T-C. GRCh37 (hg19) VCF-style: chr16-89350494-T-C.
Other names: c.2456A>G, p.Asn819Ser (NM_001256182.2, NM_001256183.2); short protein forms N819S.
Identifiers: ClinVar variation 4072820 (VCV004072820.1).
Genomic context (GRCh38, chr16:89,284,086, plus strand): 5'-TCTCGCTGATCGTCAGAAAGGCTAAATTTGGTGTCTTCATTCTCCAGAAACTGATTTTTG[T>C]TACAATATTCGTCAAAAGCAGAATCTTCCCTATAAACCTTTTCTTTTTTGAGTTTTTCTT-3'
Protein context (NP_037407.4, residues 809-829): REDSAFDEYC[Asn819Ser]KNQFLENEDT